The following is an entry in ClinVar:

NM_000110.4(DPYD):c.1128+1G>C

Gene: DPYD (dihydropyrimidine dehydrogenase; minus strand). Cytogenetic location: 1p21.3.
Variant type: single nucleotide variant.
Coding change: c.1128+1G>C on transcript NM_000110.4 (MANE Select); the canonical splice donor site of the intron after coding-DNA position 1128, G replaced by C.
Molecular consequence: splice donor variant.
Genome position (GRCh38, 1-based): chr1:97,593,217, C>G on the plus strand (G>C on the coding strand, the complement: DPYD is on the minus strand). VCF-style: chr1-97593217-C-G. GRCh37 (hg19) VCF-style: chr1-98058773-C-G.
Identifiers: ClinVar variation 3370431 (VCV003370431.1).

ClinVar aggregate classification (germline): Likely pathogenic (0 of 4 stars; one submission).

Conditions:
Dihydropyrimidine dehydrogenase deficiency (DPYDD). Also called: Hereditary Thymine-Uraciluria; DPD DEFICIENCY; DPYD DEFICIENCY. Identifiers: Orphanet 1675, MedGen C1959620, MONDO:0010130, OMIM 274270.

Submission:

Department of Genetics, Suzhou Beikang Medical Laboratory
Classification: Likely pathogenic for Dihydropyrimidine dehydrogenase deficiency. Last evaluated: 2024-10-31. Review status: no assertion criteria provided. Collection method: clinical testing. Allele origin: germline. Affected: no.
Comment: This sequence change affects a donor splice site in intron 10 of the DPYD gene. It is expected to disrupt RNA splicing. Variants that disrupt the donor or acceptor splice site typically lead to a loss of protein function, and loss-of-function variants in DPYD are known to be pathogenic (PMID: 38528593). This variant is not present in population databases (gnomAD no frequency). Algorithms developed to predict the effect of sequence changes on RNA splicing suggest that this variant may disrupt the consensus splice site. For these reasons, this variant has been classified as Likely pathogenic.